The following is an entry in ClinVar:

ClinVar aggregate classification (germline): Uncertain significance (1 of 4 stars; one submission).

Conditions:
Cardiovascular phenotype. Identifiers: MedGen CN230736.

Submission:

Ambry Genetics
Classification: Uncertain significance for Cardiovascular phenotype. Last evaluated: 2026-01-15. Review status: criteria provided, single submitter. Criteria: Ambry Variant Classification Scheme 2023. Collection method: clinical testing. Allele origin: germline.
Comment: The p.A327V variant (also known as c.980C>T), located in coding exon 7 of the ENG gene, results from a C to T substitution at nucleotide position 980. The alanine at codon 327 is replaced by valine, an amino acid with similar properties. This amino acid position is conserved. In addition, this alteration is predicted to be tolerated by in silico analysis. Based on the available evidence, the clinical significance of this variant remains unclear.

NM_001114753.3(ENG):c.980C>T (p.Ala327Val)

Gene: ENG (endoglin; minus strand). Cytogenetic location: 9q34.11.
Variant type: single nucleotide variant.
Coding change: c.980C>T on transcript NM_001114753.3 (MANE Select); coding-DNA position 980, C replaced by T.
Protein change: p.Ala327Val; replaces alanine 327 with valine.
Molecular consequence: missense variant.
Genome position (GRCh38, 1-based): chr9:127,824,811, G>A on the plus strand (C>T on the coding strand, the complement: ENG is on the minus strand). VCF-style: chr9-127824811-G-A. GRCh37 (hg19) VCF-style: chr9-130587090-G-A.
Other names: c.434C>T, p.Ala145Val (NM_001278138.2); c.980C>T, p.Ala327Val (NM_001406715.1, NM_000118.4); short protein forms A145V, A327V.
Identifiers: ClinVar variation 4836701 (VCV004836701.1).
Genomic context (GRCh38, chr9:127,824,811, plus strand): 5'-TGATCCAAGGGAGGGGAAGGGAAGGGAGGGGCAGGGGAAGGGTGCTCACCGCAGCTGGAG[G>A]CATGAAGTGAGACAATGCTGGCCAGCGGTAGCTCCACGAAGGATGCCACAATGCTGGCAT-3'
Protein context (NP_001108225.1, residues 317-337): LPLASIVSLH[Ala327Val]SSCGGRLQTS